The following is an entry in ClinVar:

NM_020911.2(PLXNA4):c.1343T>C (p.Val448Ala)

Gene: PLXNA4 (plexin A4; minus strand). Cytogenetic location: 7q32.3.
Variant type: single nucleotide variant.
Coding change: c.1343T>C on transcript NM_020911.2 (MANE Select); coding-DNA position 1343, T replaced by C.
Protein change: p.Val448Ala; replaces valine 448 with alanine.
Molecular consequence: missense variant.
Genome position (GRCh38, 1-based): chr7:132,489,320, A>G on the plus strand (T>C on the coding strand, the complement: PLXNA4 is on the minus strand). VCF-style: chr7-132489320-A-G. GRCh37 (hg19) VCF-style: chr7-132174079-A-G.
Other names: c.1343T>C, p.Val448Ala (NM_001105543.2, NM_001393897.1, NM_181775.4); short protein forms V448A.
Identifiers: ClinVar variation 2297895 (VCV002297895.4), dbSNP rs199914956, ClinGen allele CA4490304.
Genomic context (GRCh38, chr7:132,489,320, plus strand): 5'-CAGTAACCAAAAGTACTGCACCTCATTCCTACCTTCTTCAGCTTGCCACTTTTGGTGCCC[A>G]CAAAGGCCAGAGAGTGGTTCTTGTAGACATATGCGATGACAGACGTCATGCGGTCCCTGT-3'
Protein context (NP_065962.1, residues 438-458): YVYKNHSLAF[Val448Ala]GTKSGKLKKI

ClinVar aggregate classification (germline): Uncertain significance. Review status: criteria provided, single submitter (1 of 4 stars). 2 submissions from 2 submitters: Uncertain significance (1). 1 of the submissions does not count toward it. Last evaluated 2025-08-26.

Conditions:
PLXNA4-related disorder. Also called: PLXNA4-related condition.

Allele frequency attached by ClinVar (database versions not stated): gnomAD exomes 0.00001; ExAC 0.00002; gnomAD 0.00006; TOPMed 0.00008; ESP Exome Variant Server 0.00015.
gnomAD v4.1: 25 of 1,588,950 alleles (0.0016%); highest among the groups gnomAD compares: African/African-American, 0.032%; no homozygotes.

Submissions (2):

Ambry Genetics
Classification: Uncertain significance. Last evaluated: 2025-08-26. Review status: criteria provided, single submitter. Criteria: Ambry Variant Classification Scheme 2023. Collection method: clinical testing. Allele origin: germline.

PreventionGenetics, part of Exact Sciences
Classification: Uncertain significance for PLXNA4-related condition. Last evaluated: 2023-12-19. Review status: no assertion criteria provided. Collection method: clinical testing. Allele origin: germline. Not counted in ClinVar's aggregate classification.
Comment: The PLXNA4 c.1343T>C variant is predicted to result in the amino acid substitution p.Val448Ala. To our knowledge, this variant has not been reported in the literature. This variant is reported in 0.028% of alleles in individuals of African descent in gnomAD. At this time, the clinical significance of this variant is uncertain due to the absence of conclusive functional and genetic evidence.